The following is an entry in ClinVar:

NM_000376.3(VDR):c.821G>C (p.Arg274Pro)

Gene: VDR (vitamin D receptor; minus strand). Cytogenetic location: 12q13.11.
Variant type: single nucleotide variant.
Coding change: c.821G>C on transcript NM_000376.3 (MANE Select); coding-DNA position 821, G replaced by C.
Protein change: p.Arg274Pro; replaces arginine 274 with proline.
Molecular consequence: missense variant.
Genome position (GRCh38, 1-based): chr12:47,846,743, C>G on the plus strand (G>C on the coding strand, the complement: VDR is on the minus strand). VCF-style: chr12-47846743-C-G. GRCh37 (hg19) VCF-style: chr12-48240526-C-G.
Other names: c.821G>C, p.Arg274Pro (NM_001017535.2, NM_001364085.2, NM_001374661.1 and 1 more transcripts); c.971G>C, p.Arg324Pro (NM_001017536.2); short protein forms R324P, R274P.
Identifiers: ClinVar variation 1504399 (VCV001504399.6), dbSNP rs121909796, ClinGen allele CA384516581.
Genomic context (GRCh38, chr12:47,846,743, plus strand): 5'-TTGTAGTCTTGGTTGCCACAGGTCCAGGACATGTCGTCCATGGTGAAGGACTCATTGGAG[C>G]GCAACATGATGACCTCAATGGCACTTGACTTCAGCAGTACGATCTGGTCCTCAGAGGTGA-3'
Protein context (NP_000367.1, residues 264-284): KSSAIEVIML[Arg274Pro]SNESFTMDDM

ClinVar aggregate classification (germline): Uncertain significance (1 of 4 stars; one submission).

Submission:

Labcorp Genetics (formerly Invitae), Labcorp
Classification: Uncertain significance. Last evaluated: 2022-11-08. Review status: criteria provided, single submitter. Criteria: Invitae Variant Classification Sherloc (09022015). Collection method: clinical testing. Allele origin: germline.
Comment: This sequence change replaces arginine, which is basic and polar, with proline, which is neutral and non-polar, at codon 274 of the VDR protein (p.Arg274Pro). This variant is not present in population databases (gnomAD no frequency). This variant has not been reported in the literature in individuals affected with VDR-related conditions. ClinVar contains an entry for this variant (Variation ID: 1504399). Advanced modeling of protein sequence and biophysical properties (such as structural, functional, and spatial information, amino acid conservation, physicochemical variation, residue mobility, and thermodynamic stability) performed at Invitae indicates that this missense variant is expected to disrupt VDR protein function. This variant disrupts the p.Arg274 amino acid residue in VDR. Other variant(s) that disrupt this residue have been observed in individuals with VDR-related conditions (PMID: 8392085, 22145479, 28620554), which suggests that this may be a clinically significant amino acid residue. In summary, the available evidence is currently insufficient to determine the role of this variant in disease. Therefore, it has been classified as a Variant of Uncertain Significance.

Literature cited by the submitters: PubMed 8392085; PubMed 22145479; PubMed 28620554.